The following is an entry in ClinVar:

NM_133497.4(KCNV2):c.656A>G (p.Glu219Gly)

Gene: KCNV2 (potassium voltage-gated channel modifier subfamily V member 2; plus strand). Cytogenetic location: 9p24.2.
Variant type: single nucleotide variant.
Coding change: c.656A>G on transcript NM_133497.4 (MANE Select); coding-DNA position 656, A replaced by G.
Protein change: p.Glu219Gly; replaces glutamic acid 219 with glycine.
Molecular consequence: missense variant.
Genome position (GRCh38, 1-based): chr9:2,718,395, A>G. VCF-style: chr9-2718395-A-G. GRCh37 (hg19) VCF-style: chr9-2718395-A-G.
Other names: c.656A>G (NM_133497.3); short protein forms E219G.
Identifiers: ClinVar variation 1446823 (VCV001446823.6), dbSNP rs778833627, ClinGen allele CA4965562.

ClinVar aggregate classification (germline): Uncertain significance. Review status: criteria provided, multiple submitters, no conflicts (2 of 4 stars). 2 submissions from 2 submitters: Uncertain significance (2). Last evaluated 2024-09-05.

Allele frequency attached by ClinVar (database versions not stated): gnomAD 0.00003; TOPMed 0.00002.
gnomAD v4.1: 21 of 1,601,780 alleles (0.0013%); highest among the groups gnomAD compares: Non-Finnish European, 0.0018%; no homozygotes.

Submissions (2):

GeneDx
Classification: Uncertain significance. Last evaluated: 2024-09-05. Review status: criteria provided, single submitter. Criteria: GeneDx Variant Classification Process June 2021. Collection method: clinical testing. Allele origin: germline. Affected: yes.
Comment: In silico analysis supports that this missense variant has a deleterious effect on protein structure/function; Has not been previously published as pathogenic or benign to our knowledge

Labcorp Genetics (formerly Invitae), Labcorp
Classification: Uncertain significance. Last evaluated: 2022-10-04. Review status: criteria provided, single submitter. Criteria: Invitae Variant Classification Sherloc (09022015). Collection method: clinical testing. Allele origin: germline.
Comment: This variant is present in population databases (rs778833627, gnomAD 0.005%). This sequence change replaces glutamic acid, which is acidic and polar, with glycine, which is neutral and non-polar, at codon 219 of the KCNV2 protein (p.Glu219Gly). In summary, the available evidence is currently insufficient to determine the role of this variant in disease. Therefore, it has been classified as a Variant of Uncertain Significance. Algorithms developed to predict the effect of missense changes on protein structure and function (SIFT, PolyPhen-2, Align-GVGD) all suggest that this variant is likely to be disruptive. ClinVar contains an entry for this variant (Variation ID: 1446823). This variant has not been reported in the literature in individuals affected with KCNV2-related conditions.